The following is an entry in ClinVar:

ClinVar aggregate classification (germline): Uncertain significance (1 of 4 stars; one submission).

Allele frequency attached by ClinVar (database versions not stated): gnomAD exomes below 0.00001; ExAC 0.00001.

Submission:

Labcorp Genetics (formerly Invitae), Labcorp
Classification: Uncertain significance. Last evaluated: 2024-09-10. Review status: criteria provided, single submitter. Criteria: Invitae Variant Classification Sherloc (09022015). Collection method: clinical testing. Allele origin: germline.
Comment: This sequence change falls in intron 9 of the COL4A1 gene. It does not directly change the encoded amino acid sequence of the COL4A1 protein. It affects a nucleotide within the consensus splice site. This variant is present in population databases (rs751120007, gnomAD 0.006%). This variant has not been reported in the literature in individuals affected with COL4A1-related conditions. Variants that disrupt the consensus splice site are a relatively common cause of aberrant splicing (PMID: 17576681, 9536098). Algorithms developed to predict the effect of sequence changes on RNA splicing suggest that this variant is not likely to affect RNA splicing. In summary, the available evidence is currently insufficient to determine the role of this variant in disease. Therefore, it has been classified as a Variant of Uncertain Significance.

Literature cited by the submitters: PubMed 17576681; PubMed 9536098.

NM_001845.6(COL4A1):c.553-3T>C

Gene: COL4A1 (collagen type IV alpha 1 chain; minus strand). Cytogenetic location: 13q34.
Variant type: single nucleotide variant.
Coding change: c.553-3T>C on transcript NM_001845.6 (MANE Select); 3 bases into the intron before coding-DNA position 553, T replaced by C.
Molecular consequence: intron variant.
Genome position (GRCh38, 1-based): chr13:110,210,045, A>G on the plus strand (T>C on the coding strand, the complement: COL4A1 is on the minus strand). VCF-style: chr13-110210045-A-G. GRCh37 (hg19) VCF-style: chr13-110862392-A-G.
Other names: c.553-3T>C (NM_001303110.2).
Identifiers: ClinVar variation 2732384 (VCV002732384.3), dbSNP rs751120007, ClinGen allele CA7048442.